The following is an entry in ClinVar:

NM_001042492.3(NF1):c.3793G>A (p.Val1265Ile)

Gene: NF1 (neurofibromin 1; plus strand). Cytogenetic location: 17q11.2.
Variant type: single nucleotide variant.
Coding change: c.3793G>A on transcript NM_001042492.3 (MANE Select); coding-DNA position 3793, G replaced by A.
Protein change: p.Val1265Ile; replaces valine 1265 with isoleucine.
Molecular consequence: missense variant.
Genome position (GRCh38, 1-based): chr17:31,235,695, G>A. VCF-style: chr17-31235695-G-A. GRCh37 (hg19) VCF-style: chr17-29562713-G-A.
Other names: c.3793G>A, p.Val1265Ile (NM_000267.4); short protein forms V1265I.
Identifiers: ClinVar variation 1432231 (VCV001432231.8), dbSNP rs2151437905, ClinGen allele CA398992624.

ClinVar aggregate classification (germline): Uncertain significance (1 of 4 stars; one submission).

Conditions:
Neurofibromatosis, type 1 (NF1). Also called: Peripheral type neurofibromatosis; VON RECKLINGHAUSEN DISEASE; NEUROFIBROMATOSIS, TYPE I, SOMATIC; Neurofibromatosis, type I. Identifiers: Orphanet 636, MedGen C0027831, MONDO:0018975, OMIM 162200. Disease mechanism: loss of function.

Submission:

Labcorp Genetics (formerly Invitae), Labcorp
Classification: Uncertain significance for Neurofibromatosis, type 1. Last evaluated: 2021-03-13. Review status: criteria provided, single submitter. Criteria: Invitae Variant Classification Sherloc (09022015). Collection method: clinical testing. Allele origin: germline.
Comment: Algorithms developed to predict the effect of missense changes on protein structure and function are either unavailable or do not agree on the potential impact of this missense change (SIFT: "Tolerated"; PolyPhen-2: "Possibly Damaging"; Align-GVGD: "Class C0"). In summary, the available evidence is currently insufficient to determine the role of this variant in disease. Therefore, it has been classified as a Variant of Uncertain Significance. This sequence change replaces valine with isoleucine at codon 1265 of the NF1 protein (p.Val1265Ile). The valine residue is moderately conserved and there is a small physicochemical difference between valine and isoleucine. This variant is not present in population databases (ExAC no frequency). This variant has not been reported in the literature in individuals with NF1-related conditions.